The following is an entry in ClinVar:

ClinVar aggregate classification (germline): Benign/Likely benign. Review status: criteria provided, multiple submitters, no conflicts (2 of 4 stars). 9 submissions from 9 submitters: Benign (8); Likely benign (1). Last evaluated 2026-02-04.

Conditions:
Fetal akinesia deformation sequence 1 (FADS1). Also called: Pena-Shokeir syndrome type I; Fetal akinesia sequence. Identifiers: Orphanet 994, MedGen C1276035, MONDO:0100101, OMIM 208150, HP:0001989.
Congenital myasthenic syndrome 9. Also called: Myasthenic syndrome, congenital, 9, associated with acetylcholine receptor deficiency. Identifiers: Orphanet 590, MedGen C4225368, MONDO:0014587, OMIM 616325.

Allele frequency attached by ClinVar (database versions not stated): 1000 Genomes Project 0.00978; 1000 Genomes Project 30x 0.01046; TOPMed 0.02035; gnomAD 0.02135 and 0.02176; ESP Exome Variant Server 0.02269; gnomAD exomes 0.02304 and 0.02754; ExAC 0.02386.

Submissions (9):

Labcorp Genetics (formerly Invitae), Labcorp
Classification: Benign for Congenital myasthenic syndrome 9; Fetal akinesia deformation sequence 1. Last evaluated: 2026-02-04. Review status: criteria provided, single submitter. Criteria: Invitae Variant Classification Sherloc (09022015). Collection method: clinical testing. Allele origin: germline.

Blueprint Genetics
Classification: Likely benign. Last evaluated: 2024-11-27. Review status: criteria provided, single submitter. Criteria: ACMG Guidelines, 2015. Collection method: clinical testing. Allele origin: germline.

Athena Diagnostics
Classification: Benign. Last evaluated: 2019-12-13. Review status: criteria provided, single submitter. Criteria: Athena Diagnostics Criteria. Collection method: clinical testing. Allele origin: unknown.

Illumina Laboratory Services, Illumina
Classification: Benign for Congenital myasthenic syndrome 9. Last evaluated: 2018-01-13. Review status: criteria provided, single submitter. Criteria: ICSL Variant Classification Criteria 13 December 2019. Collection method: clinical testing. Allele origin: germline.
Comment: This variant was observed in the ICSL laboratory as part of a predisposition screen in an ostensibly healthy population. It had not been previously curated by ICSL or reported in the Human Gene Mutation Database (HGMD: prior to June 1st, 2018), and was therefore a candidate for classification through an automated scoring system. Utilizing variant allele frequency, disease prevalence and penetrance estimates, and inheritance mode, an automated score was calculated to assess if this variant is too frequent to cause the disease. Based on the score and internal cut-off values, a variant classified as benign is not then subjected to further curation. The score for this variant resulted in a classification of benign for this disease.

Mayo Clinic Laboratories, Mayo Clinic
Classification: Benign. Last evaluated: 2017-11-30. Review status: criteria provided, single submitter. Criteria: ACMG Guidelines, 2015. Collection method: clinical testing. Allele origin: germline. Observed: 10 variant alleles.

GeneDx
Classification: Benign. Last evaluated: 2017-05-05. Review status: criteria provided, single submitter. Criteria: GeneDx Variant Classification (06012015). Collection method: clinical testing. Allele origin: germline. Affected: yes.
Comment: This variant is considered likely benign or benign based on one or more of the following criteria: it is a conservative change, it occurs at a poorly conserved position in the protein, it is predicted to be benign by multiple in silico algorithms, and/or has population frequency not consistent with disease.

Genetic Services Laboratory, University of Chicago
Classification: Benign for AllHighlyPenetrant. Last evaluated: 2013-08-15. Review status: criteria provided, single submitter. Criteria: ACMG Guidelines, 2007. Collection method: clinical testing. Allele origin: germline. Inheritance: Autosomal recessive inheritance.

Breakthrough Genomics
Classification: Benign. Review status: criteria provided, single submitter. Criteria: ACMG Guidelines, 2015. Collection method: not provided. Allele origin: germline. Inheritance: Autosomal recessive inheritance. Affected: yes.

PreventionGenetics, part of Exact Sciences
Classification: Benign. Review status: criteria provided, single submitter. Criteria: ACMG Guidelines, 2015. Collection method: clinical testing. Allele origin: germline.

NM_005592.4(MUSK):c.299C>T (p.Thr100Met)

Gene: MUSK (muscle associated receptor tyrosine kinase; plus strand). Cytogenetic location: 9q31.3.
Variant type: single nucleotide variant.
Coding change: c.299C>T on transcript NM_005592.4 (MANE Select); coding-DNA position 299, C replaced by T.
Protein change: p.Thr100Met; replaces threonine 100 with methionine.
Molecular consequence: missense variant.
Genome position (GRCh38, 1-based): chr9:110,687,209, C>T. VCF-style: chr9-110687209-C-T. GRCh37 (hg19) VCF-style: chr9-113449489-C-T.
Other names: c.299C>T, p.Thr100Met (NM_001166280.2, NM_001166281.2); short protein forms T100M.
Identifiers: ClinVar variation 129634 (VCV000129634.23), dbSNP rs35142681, ClinGen allele CA153743.